The following is an entry in ClinVar:

ClinVar aggregate classification (germline): Uncertain significance (1 of 4 stars; one submission).

Submission:

Labcorp Genetics (formerly Invitae), Labcorp
Classification: Uncertain significance. Last evaluated: 2024-11-04. Review status: criteria provided, single submitter. Criteria: Invitae Variant Classification Sherloc (09022015). Collection method: clinical testing. Allele origin: germline.
Comment: This sequence change replaces proline, which is neutral and non-polar, with leucine, which is neutral and non-polar, at codon 1297 of the CUL7 protein (p.Pro1297Leu). This variant is not present in population databases (gnomAD no frequency). This variant has not been reported in the literature in individuals affected with CUL7-related conditions. Invitae Evidence Modeling of protein sequence and biophysical properties (such as structural, functional, and spatial information, amino acid conservation, physicochemical variation, residue mobility, and thermodynamic stability) has been performed for this missense variant. However, the output from this modeling did not meet the statistical confidence thresholds required to predict the impact of this variant on CUL7 protein function. In summary, the available evidence is currently insufficient to determine the role of this variant in disease. Therefore, it has been classified as a Variant of Uncertain Significance.

NM_014780.5(CUL7):c.3890C>T (p.Pro1297Leu)

Gene: CUL7 (cullin 7; minus strand). Cytogenetic location: 6p21.1.
Variant type: single nucleotide variant.
Coding change: c.3890C>T on transcript NM_014780.5 (MANE Select); coding-DNA position 3890, C replaced by T.
Protein change: p.Pro1297Leu; replaces proline 1297 with leucine.
Molecular consequence: missense variant.
Genome position (GRCh38, 1-based): chr6:43,040,663, G>A on the plus strand (C>T on the coding strand, the complement: CUL7 is on the minus strand). VCF-style: chr6-43040663-G-A. GRCh37 (hg19) VCF-style: chr6-43008401-G-A.
Other names: c.3986C>T, p.Pro1329Leu (NM_001168370.2, NM_001374872.1); c.3890C>T, p.Pro1297Leu (NM_001374873.1); c.3887C>T, p.Pro1296Leu (NM_001374874.1); short protein forms P1296L, P1297L, P1329L.
Identifiers: ClinVar variation 3613384 (VCV003613384.2).